The following is an entry in ClinVar:

ClinVar aggregate classification (germline): Uncertain significance (1 of 4 stars; one submission).

gnomAD v4.1: 2 of 1,610,348 alleles (0.00012%); highest among the groups gnomAD compares: Non-Finnish European, 0.00017%; no homozygotes.

Submission:

Labcorp Genetics (formerly Invitae), Labcorp
Classification: Uncertain significance. Last evaluated: 2024-08-13. Review status: criteria provided, single submitter. Criteria: Invitae Variant Classification Sherloc (09022015). Collection method: clinical testing. Allele origin: germline.
Comment: This sequence change replaces proline, which is neutral and non-polar, with threonine, which is neutral and polar, at codon 453 of the SLC12A6 protein (p.Pro453Thr). This variant is not present in population databases (gnomAD no frequency). This variant has not been reported in the literature in individuals affected with SLC12A6-related conditions. Advanced modeling of protein sequence and biophysical properties (such as structural, functional, and spatial information, amino acid conservation, physicochemical variation, residue mobility, and thermodynamic stability) performed at Invitae indicates that this missense variant is not expected to disrupt SLC12A6 protein function with a negative predictive value of 95%. In summary, the available evidence is currently insufficient to determine the role of this variant in disease. Therefore, it has been classified as a Variant of Uncertain Significance.

NM_001365088.1(SLC12A6):c.1357C>A (p.Pro453Thr)

Gene: SLC12A6 (solute carrier family 12 member 6; minus strand). Cytogenetic location: 15q14.
Variant type: single nucleotide variant.
Coding change: c.1357C>A on transcript NM_001365088.1 (MANE Select); coding-DNA position 1357, C replaced by A.
Protein change: p.Pro453Thr; replaces proline 453 with threonine.
Molecular consequence: missense variant.
Genome position (GRCh38, 1-based): chr15:34,251,034, G>T on the plus strand (C>A on the coding strand, the complement: SLC12A6 is on the minus strand). VCF-style: chr15-34251034-G-T. GRCh37 (hg19) VCF-style: chr15-34543235-G-T.
Other names: c.1180C>A, p.Pro394Thr (NM_001042494.2, NM_001042495.2); c.1330C>A, p.Pro444Thr (NM_001042496.2); c.1312C>A, p.Pro438Thr (NM_001042497.2); c.1204C>A, p.Pro402Thr (NM_005135.2); c.1357C>A, p.Pro453Thr (NM_133647.2); short protein forms P394T, P402T, P438T, P444T, P453T.
Identifiers: ClinVar variation 3623738 (VCV003623738.2).